The following is an entry in ClinVar:

NM_006618.5(KDM5B):c.2198+1G>C

Gene: KDM5B (lysine demethylase 5B; minus strand). Cytogenetic location: 1q32.1.
Variant type: single nucleotide variant.
Coding change: c.2198+1G>C on transcript NM_006618.5 (MANE Select); the canonical splice donor site of the intron after coding-DNA position 2198, G replaced by C.
Molecular consequence: splice donor variant.
Genome position (GRCh38, 1-based): chr1:202,746,141, C>G on the plus strand (G>C on the coding strand, the complement: KDM5B is on the minus strand). VCF-style: chr1-202746141-C-G. GRCh37 (hg19) VCF-style: chr1-202715269-C-G.
Other names: c.2183+1G>C (NM_001399817.1); c.2063+1G>C (NM_001347591.2); c.2306+1G>C (NM_001314042.2).
Identifiers: ClinVar variation 1694541 (VCV001694541.31), dbSNP rs1558488588, ClinGen allele CA344266293.

ClinVar aggregate classification (germline): Pathogenic (1 of 4 stars; one submission).

Submission:

CeGaT Center for Human Genetics Tuebingen
Classification: Pathogenic. Last evaluated: 2022-04-01. Review status: criteria provided, single submitter. Criteria: CeGaT Center For Human Genetics Tuebingen Variant Classification Criteria Version 2. Collection method: clinical testing. Allele origin: germline. Affected: yes. Observed: 1 variant allele.
Comment: KDM5B: PVS1, PM2